The following is an entry in ClinVar:

ClinVar aggregate classification (germline): Uncertain significance. Review status: criteria provided, multiple submitters, no conflicts (2 of 4 stars). 2 submissions from 2 submitters: Uncertain significance (2). Last evaluated 2022-12-01.

Allele frequency attached by ClinVar (database versions not stated): TOPMed 0.00001.
gnomAD v4.1: 1 of 1,608,914 alleles (0.000062%); highest among the groups gnomAD compares: African/African-American, 0.0013%; no homozygotes.

Submissions (2):

Blueprint Genetics
Classification: Uncertain significance. Last evaluated: 2022-12-01. Review status: criteria provided, single submitter. Criteria: ACMG Guidelines, 2015. Collection method: clinical testing. Allele origin: germline.

Labcorp Genetics (formerly Invitae), Labcorp
Classification: Uncertain significance. Last evaluated: 2019-11-08. Review status: criteria provided, single submitter. Criteria: Invitae Variant Classification Sherloc (09022015). Collection method: clinical testing. Allele origin: germline.
Comment: This variant has not been reported in the literature in individuals with CACNA2D4-related conditions. In summary, the available evidence is currently insufficient to determine the role of this variant in disease. Therefore, it has been classified as a Variant of Uncertain Significance. The current clinical and genetic evidence is not sufficient to establish whether loss-of-function variants in CACNA2D4 cause disease. Algorithms developed to predict the effect of sequence changes on RNA splicing suggest that this variant may disrupt the consensus splice site, but this prediction has not been confirmed by published transcriptional studies. This variant is not present in population databases (ExAC no frequency). This sequence change affects a donor splice site in intron 11 of the CACNA2D4 gene. It is expected to disrupt RNA splicing and likely results in an absent or disrupted protein product.

NM_172364.5(CACNA2D4):c.1272+1G>C

Gene: CACNA2D4 (calcium voltage-gated channel auxiliary subunit alpha2delta 4; minus strand). Cytogenetic location: 12p13.33.
Variant type: single nucleotide variant.
Coding change: c.1272+1G>C on transcript NM_172364.5 (MANE Select); the canonical splice donor site of the intron after coding-DNA position 1272, G replaced by C.
Molecular consequence: splice donor variant.
Genome position (GRCh38, 1-based): chr12:1,884,767, C>G on the plus strand (G>C on the coding strand, the complement: CACNA2D4 is on the minus strand). VCF-style: chr12-1884767-C-G. GRCh37 (hg19) VCF-style: chr12-1993933-C-G.
Identifiers: ClinVar variation 968046 (VCV000968046.9), dbSNP rs1419761949, ClinGen allele CA383357967.